The following is an entry in ClinVar:

ClinVar aggregate classification (germline): Uncertain significance (1 of 4 stars; one submission).

Conditions:
Lymphoproliferative syndrome 1 (LPFS1). Identifiers: Orphanet 238505, Orphanet 538963, MedGen C3552634, MONDO:0013081, OMIM 613011.

Allele frequency attached by ClinVar (database versions not stated): gnomAD 0.00001; gnomAD exomes 0.00001; ExAC 0.00002; TOPMed 0.00002; ESP Exome Variant Server 0.00008.
gnomAD v4.1: 10 of 1,611,102 alleles (0.00062%); highest among the groups gnomAD compares: Non-Finnish European, 0.00085%; no homozygotes.

Submission:

Labcorp Genetics (formerly Invitae), Labcorp
Classification: Uncertain significance for Lymphoproliferative syndrome 1. Last evaluated: 2022-09-07. Review status: criteria provided, single submitter. Criteria: Invitae Variant Classification Sherloc (09022015). Collection method: clinical testing. Allele origin: germline.
Comment: In summary, the available evidence is currently insufficient to determine the role of this variant in disease. Therefore, it has been classified as a Variant of Uncertain Significance. Algorithms developed to predict the effect of missense changes on protein structure and function are either unavailable or do not agree on the potential impact of this missense change (SIFT: "Deleterious"; PolyPhen-2: "Benign"; Align-GVGD: "Class C15"). ClinVar contains an entry for this variant (Variation ID: 1044513). This variant has not been reported in the literature in individuals affected with ITK-related conditions. This variant is present in population databases (rs150470437, gnomAD 0.002%). This sequence change replaces glutamic acid, which is acidic and polar, with glycine, which is neutral and non-polar, at codon 108 of the ITK protein (p.Glu108Gly).

NM_005546.4(ITK):c.323A>G (p.Glu108Gly)

Gene: ITK (IL2 inducible T cell kinase; plus strand). Cytogenetic location: 5q33.3.
Variant type: single nucleotide variant.
Coding change: c.323A>G on transcript NM_005546.4 (MANE Select); coding-DNA position 323, A replaced by G.
Protein change: p.Glu108Gly; replaces glutamic acid 108 with glycine.
Molecular consequence: missense variant.
Genome position (GRCh38, 1-based): chr5:157,211,366, A>G. VCF-style: chr5-157211366-A-G. GRCh37 (hg19) VCF-style: chr5-156638377-A-G.
Other names: short protein forms E108G.
Identifiers: ClinVar variation 1044513 (VCV001044513.4), dbSNP rs150470437, ClinGen allele CA3532699.